The following is an entry in ClinVar:

NM_001379081.2(FREM1):c.5864T>C (p.Leu1955Ser)

Gene: FREM1 (FRAS1 related extracellular matrix 1; minus strand). Cytogenetic location: 9p22.3.
Variant type: single nucleotide variant.
Coding change: c.5864T>C on transcript NM_001379081.2 (MANE Select); coding-DNA position 5864, T replaced by C.
Protein change: p.Leu1955Ser; replaces leucine 1955 with serine.
Molecular consequence: missense variant. On other transcripts: non-coding transcript variant (3).
Genome position (GRCh38, 1-based): chr9:14,747,409, A>G on the plus strand (T>C on the coding strand, the complement: FREM1 is on the minus strand). VCF-style: chr9-14747409-A-G. GRCh37 (hg19) VCF-style: chr9-14747407-A-G.
Other names: c.1472T>C, p.Leu491Ser (NM_001177704.3, NM_001370061.2); c.1322T>C, p.Leu441Ser (NM_001370058.2); c.5864T>C, p.Leu1955Ser (NM_144966.7); short protein forms L1955S, L441S, L491S.
Identifiers: ClinVar variation 3905363 (VCV003905363.10).

ClinVar aggregate classification (germline): Uncertain significance (1 of 4 stars; one submission).

gnomAD v4.1: 4 of 1,613,582 alleles (0.00025%); highest among the groups gnomAD compares: Admixed American, 0.0017%; no homozygotes.

Submission:

CeGaT Center for Human Genetics Tuebingen
Classification: Uncertain significance. Last evaluated: 2025-05-01. Review status: criteria provided, single submitter. Criteria: CeGaT Center For Human Genetics Tuebingen Variant Classification Criteria Version 2. Collection method: clinical testing. Allele origin: germline. Affected: yes. Observed: 1 variant allele.
Comment: FREM1: PM2, BP4